The following is an entry in ClinVar:

ClinVar aggregate classification (germline): Pathogenic/Likely pathogenic. Review status: criteria provided, multiple submitters, no conflicts (2 of 4 stars). 9 submissions from 8 submitters: Pathogenic (2); Likely pathogenic (7). Last evaluated 2026-01-07.

Conditions:
ALPL-related disorder. Also called: ALPL-related disorders; ALPL-related condition.
Hypophosphatasia. Also called: Phosphoethanol-aminuria. Identifiers: Orphanet 436, MedGen C0020630, MeSH D007014, MONDO:0018570.
Adult hypophosphatasia. Identifiers: Orphanet 247676, Orphanet 436, MedGen C0268413, MONDO:1010154, OMIM 146300, MONDO:0007798.
Childhood hypophosphatasia. Identifiers: Orphanet 247667, Orphanet 436, MedGen C0220743, MONDO:1010168, OMIM 241510, MONDO:0009428.
Infantile hypophosphatasia. Identifiers: Orphanet 247651, Orphanet 436, MedGen C0268412, MONDO:1010169, OMIM 241500, MONDO:0009427.

Allele frequency attached by ClinVar (database versions not stated): gnomAD exomes 0.00001 and 0.00002; TOPMed 0.00002; ExAC 0.00003.
gnomAD v4.1: 15 of 1,614,000 alleles (0.00093%); highest among the groups gnomAD compares: African/African-American, 0.0013%; no homozygotes.

Submissions (9):

Labcorp Genetics (formerly Invitae), Labcorp
Classification: Pathogenic. Last evaluated: 2026-01-07. Review status: criteria provided, single submitter. Criteria: Invitae Variant Classification Sherloc (09022015). Collection method: clinical testing. Allele origin: germline.
Comment: This sequence change replaces methionine, which is neutral and non-polar, with isoleucine, which is neutral and non-polar, at codon 219 of the ALPL protein (p.Met219Ile). This variant is present in population databases (rs776117933, gnomAD 0.004%). This missense change has been observed in individuals with hypophosphatasia (internal data). ClinVar contains an entry for this variant (Variation ID: 1224381). Invitae Evidence Modeling of protein sequence and biophysical properties (such as structural, functional, and spatial information, amino acid conservation, physicochemical variation, residue mobility, and thermodynamic stability) indicates that this missense variant is expected to disrupt ALPL protein function with a positive predictive value of 95%. This variant disrupts the p.Met219 amino acid residue in ALPL. Other variant(s) that disrupt this residue have been determined to be pathogenic (PMID: 24022022; internal data). This suggests that this residue is clinically significant, and that variants that disrupt this residue are likely to be disease-causing. For these reasons, this variant has been classified as Pathogenic.

Genomenon, Inc
Classification: Likely pathogenic for Hypophosphatasia. Last evaluated: 2025-08-29. Review status: criteria provided, single submitter. Criteria: Genomenon Sequence Variant Interpretation Standards. Collection method: curation. Allele origin: germline. Affected: yes.
Comment: ALPL c.657G>T is a missense variant that changes the amino acid at residue 219 from Methionine to Isoleucine. This variant has been observed in at least one proband affected with hypophosphatasia (PMID:33601892;37600704). The variant was found to segregate with disease in at least one affected family (PMID:37600704). Functional studies have been reported;however, the significance of the findings remain unclear (PMID:32160374). It is absent or not present at a significant frequency in gnomAD. In silico models agree that this variant is possibly or probably damaging. In conclusion, we classify ALPL p.Met219Ile (c.657G>T) as a likely pathogenic variant.

Women's Health and Genetics/Laboratory Corporation of America, LabCorp
Classification: Pathogenic for Hypophosphatasia. Last evaluated: 2025-06-13. Review status: criteria provided, single submitter. Criteria: LabCorp Variant Classification Summary - May 2015. Collection method: clinical testing. Allele origin: germline.
Comment: Variant summary: ALPL c.657G>T (p.Met219Ile) results in a conservative amino acid change in the encoded protein sequence. Algorithms developed to predict the effect of missense changes on protein structure and function are either unavailable or do not agree on the potential impact of this missense change. The variant allele was found at a frequency of 1.6e-05 in 251442 control chromosomes. c.657G>T has been observed in the heterozygous state in multiple individuals affected with autosomal dominant Hypophosphatasia (Cinque_2023, Araci_2021, Mornet_2021, internal data). These data indicate that the variant is likely to be associated with disease. At least one publication reports experimental evidence evaluating an impact on protein function. The most pronounced variant effect results in <30% of normal activity (DelAngel_2020). A different variant affecting the same codon has been classified as pathogenic (c.655A>G, p.Met219Val), supporting the critical relevance of codon 219 to ALPL protein function. The following publications have been ascertained in the context of this evaluation (PMID: 33601892, 37600704, 32160374, 32973344). ClinVar contains an entry for this variant (Variation ID: 1224381). Based on the evidence outlined above, the variant was classified as pathogenic.

Natera, Inc.
Classification: Likely pathogenic for Hypophosphatasia. Last evaluated: 2025-02-10. Review status: criteria provided, single submitter. Criteria: Natera Variant Classification Schema (03/2026). Collection method: clinical testing. Allele origin: germline.
Comment: The c.657G>T variant in ALPL is a missense variant predicted to cause substitution of methionine to isoleucine at amino acid 219. This variant is rare in the general population with a frequency below the threshold expected for the associated phenotype(s). This variant has been observed in affected individual(s) with monoallelic occurrence (heterozygous/hemizygous) (PMID: 33601892, 37600704). Computational prediction algorithms indicate this variant is likely to affect gene or protein function. Given the available evidence, this variant is classified as Likely Pathogenic.

Fulgent Genetics
Classification: Likely pathogenic for Adult hypophosphatasia; Infantile hypophosphatasia; Childhood hypophosphatasia. Last evaluated: 2024-06-07. Review status: criteria provided, single submitter. Criteria: ACMG Guidelines, 2015. Collection method: clinical testing. Allele origin: germline.

Baylor Genetics
Classification: Likely pathogenic for Adult hypophosphatasia. Last evaluated: 2024-01-09. Review status: criteria provided, single submitter. Criteria: ACMG Guidelines, 2015. Collection method: clinical testing. Allele origin: unknown.

JKU Lab, Dept of Paediatrics, Johannes Kepler University
Classification: Likely pathogenic for Hypophosphatasia. Last evaluated: 2023-12-05. Review status: criteria provided, single submitter. Criteria: ACMG Guidelines, 2015. Collection method: clinical testing. Allele origin: germline. Affected: yes. Observed: 1 heterozygote.
Comment: GnomAD low freq 0.0015908% (4). The functional test results and ACMG criteria applied can be looked up in the ALPL gene variant database.

Baylor Genetics
Classification: Likely pathogenic for Hypophosphatasia. Last evaluated: 2023-06-23. Review status: criteria provided, single submitter. Criteria: ACMG Guidelines, 2015. Collection method: clinical testing. Allele origin: unknown.

Blueprint Genetics
Classification: Likely pathogenic for ALPL-related disorders. Last evaluated: 2019-02-25. Review status: criteria provided, single submitter. Criteria: ACMG Guidelines, 2015. Collection method: clinical testing. Allele origin: germline. Affected: yes. Observed: 2 variant alleles.

Literature cited by the submitters: PubMed 24022022 (cited by Labcorp Genetics (formerly Invitae), Labcorp); PubMed 33601892 (cited by 3 submitters); PubMed 37600704 (cited by 3 submitters); PubMed 32160374 (cited by Genomenon, Inc and Women's Health and Genetics/Laboratory Corporation of America, LabCorp); PubMed 32973344 (cited by Women's Health and Genetics/Laboratory Corporation of America, LabCorp).

NM_000478.6(ALPL):c.657G>T (p.Met219Ile)

Gene: ALPL (alkaline phosphatase, biomineralization associated; plus strand). Cytogenetic location: 1p36.12.
Variant type: single nucleotide variant.
Coding change: c.657G>T on transcript NM_000478.6 (MANE Select); coding-DNA position 657, G replaced by T.
Protein change: p.Met219Ile; replaces methionine 219 with isoleucine.
Molecular consequence: missense variant.
Genome position (GRCh38, 1-based): chr1:21,568,112, G>T. VCF-style: chr1-21568112-G-T. GRCh37 (hg19) VCF-style: chr1-21894605-G-T.
Other names: c.657G>T (NM_000478.5); c.492G>T, p.Met164Ile (NM_001127501.4); c.426G>T, p.Met142Ile (NM_001177520.3); c.657G>T, p.Met219Ile (NM_001369803.2, NM_001369804.2, NM_001369805.2); short protein forms M142I, M164I, M219I.
Identifiers: ClinVar variation 1224381 (VCV001224381.16), dbSNP rs776117933, ClinGen allele CA666572.